The following is an entry in ClinVar:

NM_015662.3(IFT172):c.1037G>A (p.Arg346Gln)

Gene: IFT172 (intraflagellar transport 172; minus strand). Cytogenetic location: 2p23.3.
Variant type: single nucleotide variant.
Coding change: c.1037G>A on transcript NM_015662.3 (MANE Select); coding-DNA position 1037, G replaced by A.
Protein change: p.Arg346Gln; replaces arginine 346 with glutamine.
Molecular consequence: missense variant.
Genome position (GRCh38, 1-based): chr2:27,478,125, C>T on the plus strand (G>A on the coding strand, the complement: IFT172 is on the minus strand). VCF-style: chr2-27478125-C-T. GRCh37 (hg19) VCF-style: chr2-27700992-C-T.
Other names: c.1037G>A, p.Arg346Gln (NM_001410739.1); short protein forms R346Q.
Identifiers: ClinVar variation 4982342 (VCV004982342.1).

ClinVar aggregate classification (germline): Uncertain significance (1 of 4 stars; one submission).

Conditions:
IFT172-related disorder. Also called: IFT172-related disorders; IFT172-related condition.

gnomAD v4.1: 4 of 1,614,136 alleles (0.00025%); highest among the groups gnomAD compares: South Asian, 0.0011%; no homozygotes.

Submission:

PreventionGenetics, part of Exact Sciences
Classification: Uncertain significance for IFT172-related condition. Last evaluated: 2026-07-28. Review status: criteria provided, single submitter. Criteria: ACMG Guidelines, 2015. Collection method: clinical testing. Allele origin: germline.
Comment: The IFT172 c.1037G>A variant is predicted to result in the amino acid substitution p.Arg346Gln. To our knowledge, this variant has not been reported in the literature. This variant is reported in 0.0033% of alleles in individuals of South Asian descent in gnomAD. At this time, the clinical significance of this variant is uncertain due to the absence of conclusive functional and genetic evidence.